The following is an entry in ClinVar:

ClinVar aggregate classification (germline): Benign/Likely benign. Review status: criteria provided, multiple submitters, no conflicts (2 of 4 stars). 5 submissions from 5 submitters: Benign (2); Likely benign (3). Last evaluated 2026-01-29.

Conditions:
DYRK1A-related intellectual disability syndrome (MRD7). Also called: DYRK1A Syndrome; Intellectual developmental disorder, autosomal dominant 7. Identifiers: Orphanet 464306, MedGen C5568143, MONDO:0013578, OMIM 614104.

Allele frequency attached by ClinVar (database versions not stated): 1000 Genomes Project 30x 0.00187; 1000 Genomes Project 0.00220; TOPMed 0.00296; gnomAD 0.00297 and 0.00301; gnomAD exomes 0.00322; ExAC 0.00340; ESP Exome Variant Server 0.00400.
gnomAD v4.1: 6,286 of 1,610,834 alleles (0.39%); highest among the groups gnomAD compares: Middle Eastern, 0.5%; 23 homozygotes.

Submissions (6):

Labcorp Genetics (formerly Invitae), Labcorp
Classification: Benign for DYRK1A-related intellectual disability syndrome. Last evaluated: 2026-01-29. Review status: criteria provided, single submitter. Criteria: Invitae Variant Classification Sherloc (09022015). Collection method: clinical testing. Allele origin: germline.

Blueprint Genetics
Classification: Likely benign. Last evaluated: 2024-11-25. Review status: criteria provided, single submitter. Criteria: ACMG Guidelines, 2015. Collection method: clinical testing. Allele origin: germline.

Center for Pediatric Genomic Medicine, Children's Mercy Hospital and Clinics
Classification: Likely benign. Last evaluated: 2016-09-13. Review status: criteria provided, single submitter. Criteria: ACMG Guidelines, 2015. Collection method: clinical testing. Allele origin: germline.
ClinVar note: Converted during submission from Likely Benign to Likely benign.

GeneDx
Classification: Benign. Last evaluated: 2016-04-12. Review status: criteria provided, single submitter. Criteria: GeneDx Variant Classification (06012015). Collection method: clinical testing. Allele origin: germline. Affected: yes.
Comment: This variant is considered likely benign or benign based on one or more of the following criteria: it is a conservative change, it occurs at a poorly conserved position in the protein, it is predicted to be benign by multiple in silico algorithms, and/or has population frequency not consistent with disease.

Breakthrough Genomics
Classification: Likely benign. Review status: criteria provided, single submitter. Criteria: ACMG Guidelines, 2015. Collection method: not provided. Allele origin: germline. Inheritance: Autosomal dominant inheritance. Affected: yes.

Dr. Peter K. Rogan Lab, Western University
No classification provided (evidence only). Condition: Familial cancer of breast. Review status: no classification provided. Collection method: in vitro. Allele origin: not applicable. Functional consequence: retained intron. Not counted in ClinVar's aggregate classification.

NM_001347721.2(DYRK1A):c.208-40C>G

Gene: DYRK1A (dual specificity tyrosine phosphorylation regulated kinase 1A; plus strand). Cytogenetic location: 21q22.13.
Variant type: single nucleotide variant.
Coding change: c.208-40C>G on transcript NM_001347721.2 (MANE Select); 40 bases into the intron before coding-DNA position 208, C replaced by G.
Molecular consequence: intron variant.
Genome position (GRCh38, 1-based): chr21:37,478,168, C>G. VCF-style: chr21-37478168-C-G. GRCh37 (hg19) VCF-style: chr21-38850470-C-G.
Other names: c.208-13C>G (NM_001396.5, NM_101395.2, NM_130438.2); c.208-40C>G (NM_001347722.2, NM_130436.2); c.121-40C>G (NM_001347723.2).
Identifiers: ClinVar variation 376936 (VCV000376936.14), dbSNP rs140466090, ClinGen allele CA10023747.